The following is an entry in ClinVar:

ClinVar aggregate classification (germline): Pathogenic (1 of 4 stars; one submission).

Conditions:
Immunodeficiency 31B. Also called: STAT1 DEFICIENCY, AUTOSOMAL RECESSIVE; IMMUNODEFICIENCY 31B, MYCOBACTERIAL AND VIRAL INFECTIONS, AUTOSOMAL RECESSIVE. Identifiers: Orphanet 391311, MedGen C3151088, MONDO:0013427, OMIM 613796.
Mendelian susceptibility to mycobacterial diseases due to partial STAT1 deficiency. Also called: Immunodeficiency 31a; IMMUNODEFICIENCY 31A, MYCOBACTERIOSIS, AUTOSOMAL DOMINANT; STAT1 DEFICIENCY, AUTOSOMAL DOMINANT. Identifiers: Orphanet 319595, MedGen C4013950, MONDO:0013956, OMIM 614892.
Autoimmune enteropathy and endocrinopathy - susceptibility to chronic infections syndrome. Also called: Immunodeficiency 31C; Immunodeficiency 31C, autosomal dominant. Identifiers: Orphanet 391487, MedGen C3279990, MONDO:0013599, OMIM 614162.

Submission:

Labcorp Genetics (formerly Invitae), Labcorp
Classification: Pathogenic for Mendelian susceptibility to mycobacterial diseases due to partial STAT1 deficiency; Immunodeficiency 31B; Autoimmune enteropathy and endocrinopathy - susceptibility to chronic infections syndrome. Last evaluated: 2022-11-08. Review status: criteria provided, single submitter. Criteria: Invitae Variant Classification Sherloc (09022015). Collection method: clinical testing. Allele origin: germline.
Comment: This sequence change replaces lysine, which is basic and polar, with glutamine, which is neutral and polar, at codon 388 of the STAT1 protein (p.Lys388Gln). This variant is not present in population databases (gnomAD no frequency). This missense change has been observed in individual(s) with clinical features of STAT1 gain-of-function associated chronic mucocutaneous candidiasis (Invitae). In at least one individual the variant was observed to be de novo. ClinVar contains an entry for this variant (Variation ID: 578600). Algorithms developed to predict the effect of missense changes on protein structure and function are either unavailable or do not agree on the potential impact of this missense change (SIFT: "Tolerated"; PolyPhen-2: "Probably Damaging"; Align-GVGD: "Class C0"). This variant disrupts the p.Lys388Glu amino acid residue in STAT1. Other variant(s) that disrupt this residue have been determined to be pathogenic (PMID: 25042743; Invitae). This suggests that this residue is clinically significant, and that variants that disrupt this residue are likely to be disease-causing. For these reasons, this variant has been classified as Pathogenic.

Literature cited by the submitters: PubMed 25042743.

NM_007315.4(STAT1):c.1162A>C (p.Lys388Gln)

Gene: STAT1 (signal transducer and activator of transcription 1; minus strand). Cytogenetic location: 2q32.2.
Variant type: single nucleotide variant.
Coding change: c.1162A>C on transcript NM_007315.4 (MANE Select); coding-DNA position 1162, A replaced by C.
Protein change: p.Lys388Gln; replaces lysine 388 with glutamine.
Molecular consequence: missense variant.
Genome position (GRCh38, 1-based): chr2:190,986,913, T>G on the plus strand (A>C on the coding strand, the complement: STAT1 is on the minus strand). VCF-style: chr2-190986913-T-G. GRCh37 (hg19) VCF-style: chr2-191851639-T-G.
Other names: c.1102A>C, p.Lys368Gln (NM_001384880.1); c.1168A>C, p.Lys390Gln (NM_001384881.1, NM_001384884.1); c.1156A>C, p.Lys386Gln (NM_001384882.1); c.1063A>C, p.Lys355Gln (NM_001384883.1); c.1003A>C, p.Lys335Gln (NM_001384885.1); c.1162A>C, p.Lys388Gln (NM_001384886.1, NM_001384889.1, NM_139266.3); c.1069A>C, p.Lys357Gln (NM_001384887.1); c.1132A>C, p.Lys378Gln (NM_001384888.1); and 2 more; short protein forms K388Q, K335Q, K355Q, K357Q, K358Q, K368Q, K378Q, K386Q.
Identifiers: ClinVar variation 578600 (VCV000578600.8), dbSNP rs1559011859, ClinGen allele CA349919101.